The following is an entry in ClinVar:

ClinVar aggregate classification (germline): Pathogenic. Review status: criteria provided, multiple submitters, no conflicts (2 of 4 stars). 2 submissions from 2 submitters: Pathogenic (2). Last evaluated 2024-01-30.

Conditions:
Corticosterone methyloxidase type 2 deficiency. Also called: STEROID 18-OXIDASE DEFICIENCY; 18-OXIDASE DEFICIENCY; ALDOSTERONE DEFICIENCY DUE TO DEFICIENCY OF STEROID 18-OXIDASE; ALDOSTERONE DEFICIENCY II; CMO II DEFICIENCY. Identifiers: Orphanet 427, MedGen C3463917, MONDO:0012524, OMIM 610600. Disease mechanism: loss of function.
Corticosterone 18-monooxygenase deficiency. Also called: STEROID 18-HYDROXYLASE DEFICIENCY; ALDOSTERONE DEFICIENCY DUE TO DEFECT IN STEROID 18-HYDROXYLASE; ALDOSTERONE DEFICIENCY I; CMO I DEFICIENCY; 18 Hydroxylase deficiency; Aldosterone deficiency due to defect in 18 hydroxylase. Identifiers: Orphanet 427, MedGen C0268293, MONDO:0008751, OMIM 203400. Disease mechanism: loss of function.

Allele frequency attached by ClinVar (database versions not stated): gnomAD exomes below 0.00001; ExAC 0.00001; TOPMed 0.00001.
gnomAD v4.1: 4 of 1,613,926 alleles (0.00025%); highest among the groups gnomAD compares: Non-Finnish European, 0.00034%; no homozygotes.

Submissions (2):

Fulgent Genetics
Classification: Pathogenic for Corticosterone 18-monooxygenase deficiency; Corticosterone methyloxidase type 2 deficiency. Last evaluated: 2024-01-30. Review status: criteria provided, single submitter. Criteria: ACMG Guidelines, 2015. Collection method: clinical testing. Allele origin: germline.

Labcorp Genetics (formerly Invitae), Labcorp
Classification: Pathogenic. Last evaluated: 2023-10-27. Review status: criteria provided, single submitter. Criteria: Invitae Variant Classification Sherloc (09022015). Collection method: clinical testing. Allele origin: germline.
Comment: This sequence change creates a premature translational stop signal (p.Gln170*) in the CYP11B2 gene. It is expected to result in an absent or disrupted protein product. Loss-of-function variants in CYP11B2 are known to be pathogenic (PMID: 20494601, 22801770, 26936515). This variant is present in population databases (rs774041613, gnomAD 0.0009%). This premature translational stop signal has been observed in individual(s) with aldosterone synthase deficiency (PMID: 22465514). ClinVar contains an entry for this variant (Variation ID: 2136713). For these reasons, this variant has been classified as Pathogenic.

Literature cited by the submitters: PubMed 20494601 (cited by Labcorp Genetics (formerly Invitae), Labcorp); PubMed 22801770 (cited by Labcorp Genetics (formerly Invitae), Labcorp); PubMed 26936515 (cited by Labcorp Genetics (formerly Invitae), Labcorp); PubMed 22465514 (cited by Labcorp Genetics (formerly Invitae), Labcorp).

NM_000498.3(CYP11B2):c.508C>T (p.Gln170Ter)

Genes: CYP11B2 (cytochrome P450 family 11 subfamily B member 2; minus strand), LOC106799834 (CYP11B2 recombination region; plus strand). Cytogenetic location: 8q24.3.
Variant type: single nucleotide variant.
Coding change: c.508C>T on transcript NM_000498.3 (MANE Select); coding-DNA position 508, C replaced by T.
Protein change: p.Gln170Ter; replaces glutamine 170 with a stop codon.
Molecular consequence: nonsense.
Genome position (GRCh38, 1-based): chr8:142,915,133, G>A on the plus strand (C>T on the coding strand, the complement: CYP11B2 is on the minus strand). VCF-style: chr8-142915133-G-A. GRCh37 (hg19) VCF-style: chr8-143996549-G-A.
Other names: short protein forms Q170*.
Identifiers: ClinVar variation 2136713 (VCV002136713.5), dbSNP rs774041613, ClinGen allele CA4906186.
Genomic context (GRCh38, chr8:142,915,133, plus strand): 5'-GCTGGACGTCCAGGGTCAGGCTCCCCCGGGCGTTCTGCAGCACCTTCTTCTTCAGGGCCT[G>A]GGAGAAGTCCCTGGCCACTGCATCCACCATCGGGAGGAACCTCTGCACGGCCTTGGGCGA-3'